The following is an entry in ClinVar:

ClinVar aggregate classification (germline): Uncertain significance (1 of 4 stars; one submission).

gnomAD v4.1: 2 of 1,459,204 alleles (0.00014%); highest among the groups gnomAD compares: Non-Finnish European, 0.00018%; no homozygotes.

Submission:

Ambry Genetics
Classification: Uncertain significance. Last evaluated: 2025-02-09. Review status: criteria provided, single submitter. Criteria: Ambry Variant Classification Scheme 2023. Collection method: clinical testing. Allele origin: germline.
Comment: The p.G175R variant (also known as c.523G>C), located in coding exon 3 of the GFI1 gene, results from a G to C substitution at nucleotide position 523. The glycine at codon 175 is replaced by arginine, an amino acid with dissimilar properties. This amino acid position is conserved. In addition, this alteration is predicted to be tolerated by in silico analysis. Based on the available evidence, the clinical significance of this variant remains unclear.

NM_005263.5(GFI1):c.523G>C (p.Gly175Arg)

Gene: GFI1 (growth factor independent 1 transcriptional repressor; minus strand). Cytogenetic location: 1p22.1.
Variant type: single nucleotide variant.
Coding change: c.523G>C on transcript NM_005263.5 (MANE Select); coding-DNA position 523, G replaced by C.
Protein change: p.Gly175Arg; replaces glycine 175 with arginine.
Molecular consequence: missense variant.
Genome position (GRCh38, 1-based): chr1:92,480,864, C>G on the plus strand (G>C on the coding strand, the complement: GFI1 is on the minus strand). VCF-style: chr1-92480864-C-G. GRCh37 (hg19) VCF-style: chr1-92946421-C-G.
Other names: c.523G>C, p.Gly175Arg (NM_001127215.3, NM_001127216.3); short protein forms G175R.
Identifiers: ClinVar variation 3853718 (VCV003853718.1).
Genomic context (GRCh38, chr1:92,480,864, plus strand): 5'-GGCCAGCGGTGGCACCGGCCCCTGCGCTGCAGCTCCCTGGCGCCCCGGCCCCCGCGCCGC[C>G]GGCAGCCCGCTTCGGGCCGTACAGCGCGGCCGGGTGGCCAGGCTCCGGGGCGGGTTCGCA-3'
Protein context (NP_005254.2, residues 165-185): AALYGPKRAA[Gly175Arg]GAGAGAPGSC